The following is an entry in ClinVar:

NM_006767.4(LZTR1):c.1814A>T (p.Glu605Val)

Gene: LZTR1 (leucine zipper like post translational regulator 1; plus strand). Cytogenetic location: 22q11.21.
Variant type: single nucleotide variant.
Coding change: c.1814A>T on transcript NM_006767.4 (MANE Select); coding-DNA position 1814, A replaced by T.
Protein change: p.Glu605Val; replaces glutamic acid 605 with valine.
Molecular consequence: missense variant.
Genome position (GRCh38, 1-based): chr22:20,994,898, A>T. VCF-style: chr22-20994898-A-T. GRCh37 (hg19) VCF-style: chr22-21349187-A-T.
Other names: short protein forms E605V.
Identifiers: ClinVar variation 1780637 (VCV001780637.6), dbSNP rs1485624337, ClinGen allele CA410778510.

ClinVar aggregate classification (germline): Uncertain significance. Review status: criteria provided, multiple submitters, no conflicts (2 of 4 stars). 2 submissions from 2 submitters: Uncertain significance (2). Last evaluated 2025-12-01.

Conditions:
Hereditary cancer-predisposing syndrome. Also called: Neoplastic Syndromes, Hereditary; Tumor predisposition; Hereditary Cancer Syndrome; Hereditary neoplastic syndrome. Identifiers: Orphanet 140162, MedGen C0027672, MeSH D009386, MONDO:0015356.
Cardiovascular phenotype. Identifiers: MedGen CN230736.

Submissions (2):

Ambry Genetics
Classification: Uncertain significance for Cardiovascular phenotype; Hereditary cancer-predisposing syndrome. Last evaluated: 2025-12-01. Review status: criteria provided, single submitter. Criteria: Ambry Variant Classification Scheme 2023. Collection method: clinical testing. Allele origin: germline.
Comment: The p.E605V variant (also known as c.1814A>T), located in coding exon 16 of the LZTR1 gene, results from an A to T substitution at nucleotide position 1814. The glutamic acid at codon 605 is replaced by valine, an amino acid with dissimilar properties. This amino acid position is conserved. In addition, the in silico prediction for this alteration is inconclusive and direct evidence is insufficient at this time (Ambry internal data). Based on the available evidence, the clinical significance of this variant remains unclear.

Labcorp Genetics (formerly Invitae), Labcorp
Classification: Uncertain significance. Last evaluated: 2024-09-03. Review status: criteria provided, single submitter. Criteria: Invitae Variant Classification Sherloc (09022015). Collection method: clinical testing. Allele origin: germline.
Comment: This sequence change replaces glutamic acid, which is acidic and polar, with valine, which is neutral and non-polar, at codon 605 of the LZTR1 protein (p.Glu605Val). This variant is not present in population databases (gnomAD no frequency). This variant has not been reported in the literature in individuals affected with LZTR1-related conditions. ClinVar contains an entry for this variant (Variation ID: 1780637). Invitae Evidence Modeling of protein sequence and biophysical properties (such as structural, functional, and spatial information, amino acid conservation, physicochemical variation, residue mobility, and thermodynamic stability) indicates that this missense variant is not expected to disrupt LZTR1 protein function with a negative predictive value of 80%. Algorithms developed to predict the effect of sequence changes on RNA splicing suggest that this variant may create or strengthen a splice site. In summary, the available evidence is currently insufficient to determine the role of this variant in disease. Therefore, it has been classified as a Variant of Uncertain Significance.